The following is an entry in ClinVar:

ClinVar aggregate classification (germline): Uncertain significance (1 of 4 stars; one submission).

Conditions:
Microcephaly 7, primary, autosomal recessive. Identifiers: Orphanet 2512, MedGen C2675187, MONDO:0012989, OMIM 612703.

Submission:

Broad Center for Mendelian Genomics, Broad Institute of MIT and Harvard
Classification: Uncertain significance for Microcephaly 7, primary, autosomal recessive. Last evaluated: 2023-01-25. Review status: criteria provided, single submitter. Criteria: ACMG Guidelines, 2015. Collection method: curation. Allele origin: germline. Inheritance: Autosomal recessive inheritance.
Comment: The p.Glu1214Ter variant in STIL has not been previously reported in individuals with primary autosomal recessive microcephaly 7. This variant was absent from large population studies. This nonsense variant leads to a premature termination codon at position 1214. This alteration occurs within the terminal 50 bases of the last exon and is more likely to escape nonsense mediated decay (NMD) and result in a truncated protein. Loss of function of the SIL gene is strongly associated to primary autosomal recessive microcephaly 7. In summary, the clinical significance of the p.Glu1214Ter variant is uncertain. ACMG/AMP Criteria applied: PVS1_Supporting, PM2_Supporting, PM3_Supporting (Richards 2015).

NM_001048166.1(STIL):c.3640G>T (p.Glu1214Ter)

Gene: STIL (STIL centriolar assembly protein; minus strand). Cytogenetic location: 1p33.
Variant type: single nucleotide variant.
Coding change: c.3640G>T on transcript NM_001048166.1 (MANE Select); coding-DNA position 3640, G replaced by T.
Protein change: p.Glu1214Ter; replaces glutamic acid 1214 with a stop codon.
Molecular consequence: nonsense.
Genome position (GRCh38, 1-based): chr1:47,251,363, C>A on the plus strand (G>T on the coding strand, the complement: STIL is on the minus strand). VCF-style: chr1-47251363-C-A. GRCh37 (hg19) VCF-style: chr1-47717035-C-A.
Other names: NM_001377417.1:c.3499G>T; c.3637G>T, p.Glu1213Ter (NM_001282936.1, NM_003035.2); c.3586G>T, p.Glu1196Ter (NM_001282937.1); c.3499G>T, p.Glu1167Ter (NM_001282938.1, NM_001377417.1); c.3445G>T, p.Glu1149Ter (NM_001282939.1); short protein forms E1149*, E1213*, E1167*, E1196*, E1214*.
Identifiers: ClinVar variation 2412703 (VCV002412703.1), dbSNP rs2521942538, ClinGen allele CA340246059.
Genomic context (GRCh38, chr1:47,251,363, plus strand): 5'-CGGTTCGAAGGTTCACTGCAGGACTTGGTTTAAGGTTCTTTACTAAGAAAGCTGGCTTTT[C>A]AGTCAACTGCTGTTTTGCTTTTGTCTGCAAAACTTCATTTGTAATATTTCTCAATACTGG-3'